The following is an entry in ClinVar:

NM_006182.4(DDR2):c.1464A>G (p.Ile488Met)

Gene: DDR2 (discoidin domain receptor tyrosine kinase 2; plus strand). Cytogenetic location: 1q23.3.
Variant type: single nucleotide variant.
Coding change: c.1464A>G on transcript NM_006182.4 (MANE Select); coding-DNA position 1464, A replaced by G.
Protein change: p.Ile488Met; replaces isoleucine 488 with methionine.
Molecular consequence: missense variant.
Genome position (GRCh38, 1-based): chr1:162,770,472, A>G. VCF-style: chr1-162770472-A-G. GRCh37 (hg19) VCF-style: chr1-162740262-A-G.
Other names: c.1464A>G (NM_006182.2); c.1464A>G, p.Ile488Met (NM_001014796.3, NM_001354982.2, NM_001354983.2); short protein forms I488M.
Identifiers: ClinVar variation 1023192 (VCV001023192.10), dbSNP rs199526949, ClinGen allele CA1217523.
Genomic context (GRCh38, chr1:162,770,472, plus strand): 5'-CTCGACTTACGATCGCATCTTTCCCCTTCGCCCTGACTACCAGGAGCCATCCAGGCTGAT[A>G]CGAAAACTCCCAGAATTTGCTCCAGGGGAGGAGGAGTCAGGTGAGGATGATGTGGTGGGC-3'
Protein context (NP_006173.2, residues 478-498): RPDYQEPSRL[Ile488Met]RKLPEFAPGE

ClinVar aggregate classification (germline): Conflicting classifications of pathogenicity. Review status: criteria provided, conflicting classifications (1 of 4 stars). 5 submissions from 5 submitters: Uncertain significance (4); Likely benign (1). Last evaluated 2026-01-17.

Conditions:
Inborn genetic diseases. Identifiers: MedGen C0950123, MeSH D030342.

Allele frequency attached by ClinVar (database versions not stated): ExAC 0.00002; gnomAD exomes 0.00003 and 0.00004; gnomAD 0.00025 and 0.00028; 1000 Genomes Project 30x 0.00016; 1000 Genomes Project 0.00020; TOPMed 0.00062.
gnomAD v4.1: 99 of 1,614,122 alleles (0.0061%); highest among the groups gnomAD compares: Admixed American, 0.083%; 1 homozygote.

Submissions (5):

Labcorp Genetics (formerly Invitae), Labcorp
Classification: Likely benign. Last evaluated: 2026-01-17. Review status: criteria provided, single submitter. Criteria: Invitae Variant Classification Sherloc (09022015). Collection method: clinical testing. Allele origin: germline.

GeneDx
Classification: Uncertain significance. Last evaluated: 2024-10-24. Review status: criteria provided, single submitter. Criteria: GeneDx Variant Classification Process June 2021. Collection method: clinical testing. Allele origin: germline. Affected: yes.
Comment: In silico analysis indicates that this missense variant does not alter protein structure/function; Has not been previously published as pathogenic or benign to our knowledge

Blueprint Genetics
Classification: Uncertain significance. Last evaluated: 2024-05-28. Review status: criteria provided, single submitter. Criteria: ACMG Guidelines, 2015. Collection method: clinical testing. Allele origin: germline.

Ambry Genetics
Classification: Uncertain significance for Inborn genetic diseases. Last evaluated: 2021-08-30. Review status: criteria provided, single submitter. Criteria: Ambry Variant Classification Scheme 2023. Collection method: clinical testing. Allele origin: germline.

Breakthrough Genomics
Classification: Uncertain significance. Review status: criteria provided, single submitter. Criteria: ACMG Guidelines, 2015. Collection method: not provided. Allele origin: germline. Inheritance: Autosomal recessive inheritance. Affected: yes.